The following is an entry in ClinVar:

NM_001127222.2(CACNA1A):c.194del (p.Ile65fs)

Gene: CACNA1A (calcium voltage-gated channel subunit alpha1 A; minus strand). Cytogenetic location: 19p13.13.
Variant type: Deletion.
Coding change: c.194del on transcript NM_001127222.2 (MANE Select); coding-DNA position 194, one base deleted (T; older notation c.194delT).
Protein change: p.Ile65fs; shifts the reading frame from isoleucine 65.
Molecular consequence: frameshift variant.
Genome position (GRCh38, 1-based): chr19:13,506,031, A deleted on the plus strand (T on the coding strand, the reverse complement: CACNA1A is on the minus strand). VCF-style (leftmost placement, unchanged base first): chr19-13506030-GA-G. GRCh37 (hg19) VCF-style: chr19-13616844-GA-G.
Other names: c.194del, p.Ile65fs (NM_000068.4, NM_001127221.2, NM_001174080.2 and 1 more transcripts); short protein forms I65fs.
Identifiers: ClinVar variation 3773725 (VCV003773725.2).
Genomic context (GRCh38, chr19:13,506,030, plus strand): 5'-GTTGTCTTCGCTGAAGAGGAAGAGAGACCGGTTAACCGTGAGGCAGTTCTGTCGGACGGG[GA>G]TGGGGTTGTAGAGTGCCATGGTCCGCGCTCTCTGCGCCATTGACTGCTTGTACATCCTTT-3'

ClinVar aggregate classification (germline): Pathogenic (1 of 4 stars; one submission).

Conditions:
Episodic ataxia type 2 (EA2). Also called: EPISODIC ATAXIA, NYSTAGMUS-ASSOCIATED; ACETAZOLAMIDE-RESPONSIVE HEREDITARY PAROXYSMAL CEREBELLAR ATAXIA; ATAXIA, EPISODIC, WITH NYSTAGMUS; ATAXIA, FAMILIAL PAROXYSMAL; CEREBELLAR ATAXIA, PAROXYSMAL, ACETAZOLAMIDE-RESPONSIVE; CEREBELLOPATHY, HEREDITARY PAROXYSMAL. Identifiers: Orphanet 97, MedGen C1720416, MONDO:0007163, OMIM 108500.

Submission:

Institute of Human Genetics, University of Leipzig Medical Center
Classification: Pathogenic for Episodic ataxia type 2. Last evaluated: 2025-03-04. Review status: criteria provided, single submitter. Criteria: ACMG Guidelines, 2015. Collection method: clinical testing. Allele origin: unknown. Inheritance: Autosomal dominant inheritance. Affected: yes.
Comment: Criteria applied: PVS1,PM2